The following is an entry in ClinVar:

NM_021005.4(NR2F2):c.971-12A>G

Gene: NR2F2 (nuclear receptor subfamily 2 group F member 2; plus strand). Cytogenetic location: 15q26.2.
Variant type: single nucleotide variant.
Coding change: c.971-12A>G on transcript NM_021005.4 (MANE Select); 12 bases into the intron before coding-DNA position 971, A replaced by G.
Molecular consequence: intron variant.
Genome position (GRCh38, 1-based): chr15:96,337,336, A>G. VCF-style: chr15-96337336-A-G. GRCh37 (hg19) VCF-style: chr15-96880565-A-G.
Other names: c.572-12A>G (NM_001145155.2); c.512-12A>G (NM_001145156.1, NM_001145157.2).
Identifiers: ClinVar variation 4813242 (VCV004813242.1).

ClinVar aggregate classification (germline): Pathogenic (1 of 4 stars; one submission).

Submission:

GeneDx
Classification: Pathogenic. Last evaluated: 2025-08-30. Review status: criteria provided, single submitter. Criteria: GeneDx Variant Classification Process June 2021. Collection method: clinical testing. Allele origin: germline. Affected: yes.
Comment: Not observed at significant frequency in large population cohorts (gnomAD); In silico analysis supports a deleterious effect on splicing; Has not been previously published as pathogenic or benign to our knowledge